The following is an entry in ClinVar:

NM_001378743.1(CYLD):c.1787G>A (p.Gly596Asp)

Gene: CYLD (CYLD lysine 63 deubiquitinase; plus strand). Cytogenetic location: 16q12.1.
Variant type: single nucleotide variant.
Coding change: c.1787G>A on transcript NM_001378743.1 (MANE Select); coding-DNA position 1787, G replaced by A.
Protein change: p.Gly596Asp; replaces glycine 596 with aspartic acid.
Molecular consequence: missense variant. On other transcripts: non-coding transcript variant (1).
Genome position (GRCh38, 1-based): chr16:50,782,427, G>A. VCF-style: chr16-50782427-G-A. GRCh37 (hg19) VCF-style: chr16-50816338-G-A.
Other names: c.1778G>A, p.Gly593Asp (NM_001042355.2, NM_001042412.3, NM_001378744.1 and 6 more transcripts); c.1748G>A, p.Gly583Asp (NM_001378751.1, NM_001378752.1, NM_001378753.1); c.1112G>A, p.Gly371Asp (NM_001378754.1, NM_001378755.1); c.1787G>A, p.Gly596Asp (NM_015247.3); short protein forms G371D, G583D, G593D, G596D.
Identifiers: ClinVar variation 3774469 (VCV003774469.1).

ClinVar aggregate classification (germline): Likely pathogenic (1 of 4 stars; one submission).

Conditions:
Hereditary cancer-predisposing syndrome. Also called: Tumor predisposition; Hereditary Cancer Syndrome; Neoplastic Syndromes, Hereditary; Hereditary neoplastic syndrome. Identifiers: Orphanet 140162, MedGen C0027672, MeSH D009386, MONDO:0015356.

Submission:

Molecular Diagnostics Laboratory, Catalan Institute of Oncology
Classification: Likely pathogenic for Hereditary cancer-predisposing syndrome. Last evaluated: 2025-02-23. Review status: criteria provided, single submitter. Criteria: ACMG Guidelines, 2015. Collection method: clinical testing. Allele origin: germline.
Comment: PP1_Moderate, PP3_Moderate, PP4_Moderate, PM2_Supporting c.1787G>A located in exon 11 of the CYLD gene, is predicted to result in the substitution of glycine by aspartic acid at codon 596, p.(Gly596Asp).This variant is not present in the gnomAD v2.1.1 database (non-cancer data set)(PM2_Supporting). The SpliceAI algorithm predicts no significant impact on splicing and the REVEL meta-predictor score (0.914) for this variant suggests a deleterious effect on protein function according to Pejaver 2022 thresholds (PMID: 36413997)(PP3_Moderate). To our knowledge, functional studies have not been reported for this variant. This variant has not been reported neither in the ClinVar database nor in LOVD database. This variant has been identified in multiple patients affected with multiple familial trichoepitlelioma and co-segregates in multiple affected individuals (PMID: 17662085 and internal data)(PP4_Moderate, PP1_Moderate). Based on currently available information, the variant c.1787G>A is classified as a likely pathogenic variant according to ACMG guidelines.